The following is an entry in ClinVar:

NM_001365480.1(CCDC88A):c.1201G>C (p.Asp401His)

Gene: CCDC88A (coiled-coil and HOOK domain protein 88A; minus strand). Cytogenetic location: 2p16.1.
Variant type: single nucleotide variant.
Coding change: c.1201G>C on transcript NM_001365480.1 (MANE Select); coding-DNA position 1201, G replaced by C.
Protein change: p.Asp401His; replaces aspartic acid 401 with histidine.
Molecular consequence: missense variant.
Genome position (GRCh38, 1-based): chr2:55,343,780, C>G on the plus strand (G>C on the coding strand, the complement: CCDC88A is on the minus strand). VCF-style: chr2-55343780-C-G. GRCh37 (hg19) VCF-style: chr2-55570916-C-G.
Other names: c.1201G>C, p.Asp401His (NM_001135597.2, NM_001254943.2, NM_018084.5); c.1201G>C (NM_001135597.1); short protein forms D401H.
Identifiers: ClinVar variation 1520082 (VCV001520082.5), dbSNP rs1437388203, ClinGen allele CA346905835.

ClinVar aggregate classification (germline): Uncertain significance. Review status: criteria provided, multiple submitters, no conflicts (2 of 4 stars). 2 submissions from 2 submitters: Uncertain significance (2). Last evaluated 2025-12-16.

Allele frequency attached by ClinVar (database versions not stated): gnomAD exomes 0.00002; TOPMed 0.00002.
gnomAD v4.1: 12 of 1,608,006 alleles (0.00075%); highest among the groups gnomAD compares: Admixed American, 0.019%; no homozygotes.

Submissions (2):

Ambry Genetics
Classification: Uncertain significance. Last evaluated: 2025-12-16. Review status: criteria provided, single submitter. Criteria: Ambry Variant Classification Scheme 2023. Collection method: clinical testing. Allele origin: germline.

Labcorp Genetics (formerly Invitae), Labcorp
Classification: Uncertain significance. Last evaluated: 2023-12-22. Review status: criteria provided, single submitter. Criteria: Invitae Variant Classification Sherloc (09022015). Collection method: clinical testing. Allele origin: germline.
Comment: This sequence change replaces aspartic acid, which is acidic and polar, with histidine, which is basic and polar, at codon 401 of the CCDC88A protein (p.Asp401His). This variant is present in population databases (no rsID available, gnomAD 0.02%). This variant has not been reported in the literature in individuals affected with CCDC88A-related conditions. ClinVar contains an entry for this variant (Variation ID: 1520082). An algorithm developed to predict the effect of missense changes on protein structure and function (PolyPhen-2) suggests that this variant is likely to be disruptive. In summary, the available evidence is currently insufficient to determine the role of this variant in disease. Therefore, it has been classified as a Variant of Uncertain Significance.